The following is an entry in ClinVar:

NM_003500.4(ACOX2):c.850G>A (p.Gly284Ser)

Gene: ACOX2 (acyl-CoA oxidase 2; minus strand). Cytogenetic location: 3p14.3.
Variant type: single nucleotide variant.
Coding change: c.850G>A on transcript NM_003500.4 (MANE Select); coding-DNA position 850, G replaced by A.
Protein change: p.Gly284Ser; replaces glycine 284 with serine.
Molecular consequence: missense variant.
Genome position (GRCh38, 1-based): chr3:58,530,608, C>T on the plus strand (G>A on the coding strand, the complement: ACOX2 is on the minus strand). VCF-style: chr3-58530608-C-T. GRCh37 (hg19) VCF-style: chr3-58516335-C-T.
Other names: short protein forms G284S.
Identifiers: ClinVar variation 729128 (VCV000729128.10), dbSNP rs143508132, ClinGen allele CA2472251.
Genomic context (GRCh38, chr3:58,530,608, plus strand): 5'-CCCCTGACAGCAGCTCCACCCGCACCACCACCATGGGAAGGTAGTTGCTCTGTGCTGTAC[C>T]GAGTTTGACGTAGGTGCCATCTGGCAAGACCTGTGTGGAACAAGGACGGGCACAAGTTCT-3'
Protein context (NP_003491.1, residues 274-294): VLPDGTYVKL[Gly284Ser]TAQSNYLPMV

ClinVar aggregate classification (germline): Likely benign. Review status: criteria provided, single submitter (1 of 4 stars). 2 submissions from 2 submitters: Likely benign (1). 1 of the submissions does not count toward it. Last evaluated 2025-12-24.

Conditions:
ACOX2-related disorder. Also called: ACOX2-related condition.

Allele frequency attached by ClinVar (database versions not stated): gnomAD 0.00089; TOPMed 0.00097; 1000 Genomes Project 0.00120; 1000 Genomes Project 30x 0.00125; ESP Exome Variant Server 0.00138.
gnomAD v4.1: 213 of 1,614,134 alleles (0.013%); highest among the groups gnomAD compares: African/African-American, 0.24%; no homozygotes.

Submissions (2):

Labcorp Genetics (formerly Invitae), Labcorp
Classification: Likely benign. Last evaluated: 2025-12-24. Review status: criteria provided, single submitter. Criteria: Invitae Variant Classification Sherloc (09022015). Collection method: clinical testing. Allele origin: germline.

PreventionGenetics, part of Exact Sciences
Classification: Likely benign for ACOX2-related condition. Last evaluated: 2023-01-19. Review status: no assertion criteria provided. Collection method: clinical testing. Allele origin: germline. Not counted in ClinVar's aggregate classification.
Comment: This variant is classified as likely benign based on ACMG/AMP sequence variant interpretation guidelines (Richards et al. 2015 PMID: 25741868, with internal and published modifications).